The following is an entry in ClinVar:

NM_000069.3(CACNA1S):c.5462A>G (p.Glu1821Gly)

Gene: CACNA1S (calcium voltage-gated channel subunit alpha1 S; minus strand). Cytogenetic location: 1q32.1.
Variant type: single nucleotide variant.
Coding change: c.5462A>G on transcript NM_000069.3 (MANE Select); coding-DNA position 5462, A replaced by G.
Protein change: p.Glu1821Gly; replaces glutamic acid 1821 with glycine.
Molecular consequence: missense variant.
Genome position (GRCh38, 1-based): chr1:201,039,991, T>C on the plus strand (A>G on the coding strand, the complement: CACNA1S is on the minus strand). VCF-style: chr1-201039991-T-C. GRCh37 (hg19) VCF-style: chr1-201009119-T-C.
Other names: short protein forms E1821G.
Identifiers: ClinVar variation 392277 (VCV000392277.12), dbSNP rs1057524423, ClinGen allele CA16603527.

ClinVar aggregate classification (germline): Uncertain significance. Review status: criteria provided, multiple submitters, no conflicts (2 of 4 stars). 10 submissions from 7 submitters: Uncertain significance (10). Last evaluated 2025-03-27.

Conditions:
Hypokalemic periodic paralysis, type 1. Also called: Hypokalemic Periodic Paralysis Type 1 (AD); HypoPP. Identifiers: Orphanet 681, MedGen C3714580, MONDO:0042979, OMIM 170400.
Malignant hyperthermia, susceptibility to, 5 (MHS5). Also called: CACNA1S-Related Malignant Hyperthermia Susceptibility. Identifiers: Orphanet 423, MedGen C1866077, MONDO:0011163, OMIM 601887.
Inborn genetic diseases. Identifiers: MedGen C0950123, MeSH D030342.
Congenital myopathy 18. Also called: DIHYDROPYRIDINE RECEPTOR CONGENITAL MYOPATHY; DHPR CONGENITAL MYOPATHY; Myopathy, congenital, due to dihydropyridine receptor defect. Identifiers: MedGen C5830283, MONDO:0859514, OMIM 620246.
Thyrotoxic periodic paralysis, susceptibility to, 1 (TTPP1). Identifiers: Orphanet 79102, MedGen C2749982, MONDO:0008570, OMIM 188580.

gnomAD v4.1: 4 of 1,614,260 alleles (0.00025%); no homozygotes.

Submissions (10):

Ambry Genetics
Classification: Uncertain significance for Inborn genetic diseases. Last evaluated: 2025-03-27. Review status: criteria provided, single submitter. Criteria: Ambry Variant Classification Scheme 2023. Collection method: clinical testing. Allele origin: germline.

All of Us Research Program, National Institutes of Health
Classification: Uncertain significance for Malignant hyperthermia, susceptibility to, 5. Last evaluated: 2023-11-20. Review status: criteria provided, single submitter. Criteria: ACMG Guidelines, 2015. Collection method: clinical testing. Allele origin: germline. Inheritance: Autosomal dominant inheritance. Observed: 2 variant alleles, 2 heterozygotes.
Comment: This missense variant replaces glutamic acid with glycine at codon 1821 of the CACNA1S protein. Computational prediction suggests that this variant may not impact protein structure and function (internally defined REVEL score threshold <= 0.5, PMID: 27666373). To our knowledge, functional studies have not been reported for this variant. This variant has not been reported in individuals affected with CACNA1S-related disorders in the literature. This variant has not been identified in the general population by the Genome Aggregation Database (gnomAD). The available evidence is insufficient to determine the role of this variant in disease conclusively. Therefore, this variant is classified as a Variant of Uncertain Significance.

This study involves interpretation of variants in research participants for the purpose of population health screening. Participant phenotype was not available at the time of variant classification. Additional details can be found in publication PMID: 35346344, PMCID: PMC8962531

Color Diagnostics, LLC DBA Color Health
Classification: Uncertain significance for Malignant hyperthermia, susceptibility to, 5. Last evaluated: 2023-11-01. Review status: criteria provided, single submitter. Criteria: ACMG Guidelines, 2015. Collection method: clinical testing. Allele origin: germline.
Comment: This missense variant replaces glutamic acid with glycine at codon 1821 of the CACNA1S protein. Computational prediction suggests that this variant may not impact protein structure and function. To our knowledge, functional studies have not been reported for this variant. This variant has not been reported in individuals affected with CACNA1S-related disorders in the literature. This variant has not been identified in the general population by the Genome Aggregation Database (gnomAD). The available evidence is insufficient to determine the role of this variant in disease conclusively. Therefore, this variant is classified as a Variant of Uncertain Significance.

Genome-Nilou Lab
Classification: Uncertain significance for Malignant hyperthermia, susceptibility to, 5. Last evaluated: 2023-04-11. Review status: criteria provided, single submitter. Criteria: ACMG Guidelines, 2015. Collection method: clinical testing. Allele origin: germline. Affected: no.

Genome-Nilou Lab
Classification: Uncertain significance for Thyrotoxic periodic paralysis, susceptibility to, 1. Last evaluated: 2023-04-11. Review status: criteria provided, single submitter. Criteria: ACMG Guidelines, 2015. Collection method: clinical testing. Allele origin: germline. Affected: no.

Genome-Nilou Lab
Classification: Uncertain significance for Congenital myopathy 18. Last evaluated: 2023-04-11. Review status: criteria provided, single submitter. Criteria: ACMG Guidelines, 2015. Collection method: clinical testing. Allele origin: germline. Affected: no.

Genome-Nilou Lab
Classification: Uncertain significance for Hypokalemic periodic paralysis, type 1. Last evaluated: 2023-04-11. Review status: criteria provided, single submitter. Criteria: ACMG Guidelines, 2015. Collection method: clinical testing. Allele origin: germline. Affected: no.

Labcorp Genetics (formerly Invitae), Labcorp
Classification: Uncertain significance for Hypokalemic periodic paralysis, type 1; Malignant hyperthermia, susceptibility to, 5. Last evaluated: 2022-08-22. Review status: criteria provided, single submitter. Criteria: Invitae Variant Classification Sherloc (09022015). Collection method: clinical testing. Allele origin: germline.
Comment: This sequence change replaces glutamic acid, which is acidic and polar, with glycine, which is neutral and non-polar, at codon 1821 of the CACNA1S protein (p.Glu1821Gly). This variant is not present in population databases (gnomAD no frequency). This variant has not been reported in the literature in individuals affected with CACNA1S-related conditions. ClinVar contains an entry for this variant (Variation ID: 392277). Advanced modeling of protein sequence and biophysical properties (such as structural, functional, and spatial information, amino acid conservation, physicochemical variation, residue mobility, and thermodynamic stability) performed at Invitae indicates that this missense variant is not expected to disrupt CACNA1S protein function. In summary, the available evidence is currently insufficient to determine the role of this variant in disease. Therefore, it has been classified as a Variant of Uncertain Significance.

Fulgent Genetics
Classification: Uncertain significance for Hypokalemic periodic paralysis, type 1; Thyrotoxic periodic paralysis, susceptibility to, 1; Malignant hyperthermia, susceptibility to, 5. Last evaluated: 2022-03-03. Review status: criteria provided, single submitter. Criteria: ACMG Guidelines, 2015. Collection method: clinical testing. Allele origin: unknown.

GeneDx
Classification: Uncertain significance. Last evaluated: 2017-01-04. Review status: criteria provided, single submitter. Criteria: GeneDx Variant Classification (06012015). Collection method: clinical testing. Allele origin: germline. Affected: yes.
Comment: A variant of uncertain significance has been identified in the CACNA1S gene. The E1821G variant has not been published as a pathogenic variant, nor has it been reported as a benign variant to our knowledge. The E1821G variant is not observed in large population cohorts (Lek et al., 2016; 1000 Genomes Consortium et al., 2015; Exome Variant Server). The E1821G variant is a non-conservative amino acid substitution, which is likely to impact secondary protein structure as these residues differ in polarity, charge, size and/or other properties. This substitution occurs at a position that is conserved in mammals. However, in silico analysis is inconsistent in its predictions as to whether or not the variant is damaging to the protein structure/function. Therefore, based on the currently available information, it is unclear whether this variant is a pathogenic variant or a rare benign variant.